The following is an entry in ClinVar:

NM_213599.3(ANO5):c.650T>C (p.Val217Ala)

Gene: ANO5 (anoctamin 5; plus strand). Cytogenetic location: 11p14.3.
Variant type: single nucleotide variant.
Coding change: c.650T>C on transcript NM_213599.3 (MANE Select); coding-DNA position 650, T replaced by C.
Protein change: p.Val217Ala; replaces valine 217 with alanine.
Molecular consequence: missense variant.
Genome position (GRCh38, 1-based): chr11:22,236,164, T>C. VCF-style: chr11-22236164-T-C. GRCh37 (hg19) VCF-style: chr11-22257710-T-C.
Other names: c.647T>C, p.Val216Ala (NM_001142649.2); short protein forms V217A, V216A.
Identifiers: ClinVar variation 424043 (VCV000424043.11), dbSNP rs749876289, ClinGen allele CA5922984.

ClinVar aggregate classification (germline): Uncertain significance. Review status: criteria provided, multiple submitters, no conflicts (2 of 4 stars). 2 submissions from 2 submitters: Uncertain significance (2). Last evaluated 2024-09-03.

Conditions:
Gnathodiaphyseal dysplasia (GDD). Also called: GNATHODIAPHYSEAL SCLEROSIS; OSTEOGENESIS IMPERFECTA WITH UNUSUAL SKELETAL LESIONS. Identifiers: Orphanet 53697, MedGen C1833736, MONDO:0008151, OMIM 166260.
Autosomal recessive limb-girdle muscular dystrophy type 2L (LGMDR12). Also called: MUSCULAR DYSTROPHY, LIMB-GIRDLE, AUTOSOMAL RECESSIVE 12; Limb-girdle muscular dystrophy, type 2L; Limb-Girdle Muscular Dystrophy R12 Anoctamin-5-Related (LGMD-R12). Identifiers: Orphanet 206549, MedGen C1969785, MONDO:0012652, OMIM 611307.

Allele frequency attached by ClinVar (database versions not stated): gnomAD exomes below 0.00001; ExAC 0.00001; gnomAD 0.00001; TOPMed 0.00002.
gnomAD v4.1: 8 of 1,597,384 alleles (0.0005%); highest among the groups gnomAD compares: Non-Finnish European, 0.0006%; no homozygotes.

Submissions (2):

Labcorp Genetics (formerly Invitae), Labcorp
Classification: Uncertain significance for Autosomal recessive limb-girdle muscular dystrophy type 2L; Gnathodiaphyseal dysplasia. Last evaluated: 2024-09-03. Review status: criteria provided, single submitter. Criteria: Invitae Variant Classification Sherloc (09022015). Collection method: clinical testing. Allele origin: germline.
Comment: This sequence change replaces valine, which is neutral and non-polar, with alanine, which is neutral and non-polar, at codon 217 of the ANO5 protein (p.Val217Ala). This variant is present in population databases (rs749876289, gnomAD 0.0009%). This variant has not been reported in the literature in individuals affected with ANO5-related conditions. ClinVar contains an entry for this variant (Variation ID: 424043). An algorithm developed to predict the effect of missense changes on protein structure and function (PolyPhen-2) suggests that this variant is likely to be disruptive. Algorithms developed to predict the effect of sequence changes on RNA splicing suggest that this variant may disrupt the consensus splice site. In summary, the available evidence is currently insufficient to determine the role of this variant in disease. Therefore, it has been classified as a Variant of Uncertain Significance.

GeneDx
Classification: Uncertain significance. Last evaluated: 2017-03-15. Review status: criteria provided, single submitter. Criteria: GeneDx Variant Classification (06012015). Collection method: clinical testing. Allele origin: germline. Affected: yes.
Comment: A variant of uncertain significance has been identified in the ANO5 gene. The c.650 T>C variant has not been published as a pathogenic variant, nor has it been reported as a benign variant to our knowledge. The c.650 T>C variant is not observed at a significant frequency in large population cohorts (Lek et al., 2016; 1000 Genomes Consortium et al., 2015; Exome Variant Server). Several in-silico splice prediction models predict that c.650 T>C may damage the natural acceptor site and lead to abnormal gene splicing. However, in the absence of RNA/functional studies, the actual effect of this sequence change in this individual is unknown. If c.650 T>C does not alter splicing, it will result in the V217A missense change. The V217A variant is a conservative amino acid substitution, which is not likely to impact secondary protein structure as these residues share similar properties. However, this substitution occurs at a position that is conserved across species. In silico analysis predicts this variant is probably damaging to the protein structure/function. Therefore, based on the currently available information, it is unclear whether this variant is a pathogenic variant or a rare benign variant.